The following is an entry in ClinVar:

NM_000548.5(TSC2):c.3913C>A (p.Pro1305Thr)

Gene: TSC2 (TSC complex subunit 2; plus strand). Cytogenetic location: 16p13.3.
Variant type: single nucleotide variant.
Coding change: c.3913C>A on transcript NM_000548.5 (MANE Select); coding-DNA position 3913, C replaced by A.
Protein change: p.Pro1305Thr; replaces proline 1305 with threonine.
Molecular consequence: missense variant. On other transcripts: non-coding transcript variant (5).
Genome position (GRCh38, 1-based): chr16:2,083,724, C>A. VCF-style: chr16-2083724-C-A. GRCh37 (hg19) VCF-style: chr16-2133725-C-A.
Other names: c.3712C>A, p.Pro1238Thr (NM_001077183.3); c.3844C>A, p.Pro1282Thr (NM_001114382.3); c.3604C>A, p.Pro1202Thr (NM_001318827.2); c.3568C>A, p.Pro1190Thr (NM_001318829.2); c.3181C>A, p.Pro1061Thr (NM_001318831.2); c.3745C>A, p.Pro1249Thr (NM_001318832.2); c.3715C>A, p.Pro1239Thr (NM_001363528.2); c.3781C>A, p.Pro1261Thr (NM_001370404.1); and 26 more; short protein forms P1038T, P1039T, P1061T, P1081T, P1082T, P1085T, P1105T, P1189T.
Identifiers: ClinVar variation 3070502 (VCV003070502.1), dbSNP rs45452994, ClinGen allele CA394297047.

ClinVar aggregate classification (germline): Uncertain significance (1 of 4 stars; one submission).

Conditions:
Tuberous sclerosis syndrome (TSC). Also called: Tuberous sclerosis; Tuberous Sclerosis Complex. Identifiers: Orphanet 805, MedGen C0041341, MONDO:0001734.

Allele frequency attached by ClinVar (database versions not stated): TOPMed below 0.00001.

Submission:

All of Us Research Program, National Institutes of Health
Classification: Uncertain significance for Tuberous sclerosis syndrome. Last evaluated: 2023-04-27. Review status: criteria provided, single submitter. Criteria: ACMG Guidelines, 2015. Collection method: clinical testing. Allele origin: germline. Inheritance: Autosomal dominant inheritance. Observed: 1 variant allele, 1 heterozygote.
Comment: This study involves interpretation of variants in research participants for the purpose of population health screening. Participant phenotype was not available at the time of variant classification. Additional details can be found in publication PMID: 35346344, PMCID: PMC8962531